The following is an entry in ClinVar:

NC_000002.11:g.(?_189898796)_(189953518_?)dup

Gene: COL5A2 (collagen type V alpha 2 chain; minus strand). Cytogenetic location: 2q32.2.
Variant type: Duplication.
Identifiers: ClinVar variation 1472562 (VCV001472562.8).

ClinVar aggregate classification (germline): Uncertain significance (1 of 4 stars; one submission).

Conditions:
Ehlers-Danlos syndrome, classic type, 1 (EDSCL1). Also called: EHLERS-DANLOS SYNDROME, GRAVIS TYPE; EHLERS-DANLOS SYNDROME, SEVERE CLASSIC TYPE; Ehlers-Danlos syndrome, type 1; Ehlers-Danlos Syndrome, Classic Type, COL5A1-Related; EDS I. Identifiers: MedGen C0268335, MONDO:0019567, OMIM 130000.

Submission:

Labcorp Genetics (formerly Invitae), Labcorp
Classification: Uncertain significance for Ehlers-Danlos syndrome, classic type, 1. Last evaluated: 2022-09-01. Review status: criteria provided, single submitter. Criteria: Invitae Variant Classification Sherloc (09022015). Collection method: clinical testing. Allele origin: germline.
Comment: This variant results in a copy number gain of the genomic region encompassing exon(s) 8-54 of the COL5A2 gene. This region includes the termination codon of the gene. This copy number gain extends beyond the assayed region for this gene and therefore may encompass additional genes. As the precise location of this event is unknown, it may be in tandem or it may be located elsewhere in the genome. In summary, the available evidence is currently insufficient to determine the role of this variant in disease. Therefore, it has been classified as a Variant of Uncertain Significance. This variant has not been reported in the literature in individuals affected with COL5A2-related conditions.